The following is an entry in ClinVar:

ClinVar aggregate classification (germline): Likely benign. Review status: criteria provided, multiple submitters, no conflicts (2 of 4 stars). 2 submissions from 2 submitters: Likely benign (2). Last evaluated 2022-09-01.

Conditions:
Emery-Dreifuss muscular dystrophy (EDMD). Also called: Scapuloperoneal syndrome, X-linked (formerly); Humeroperoneal neuromuscular disease, (formerly). Identifiers: Orphanet 261, MedGen C0410189, MONDO:0016830.

Allele frequency attached by ClinVar (database versions not stated): gnomAD exomes 0.00001 and 0.00002; TOPMed 0.00002; ExAC 0.00003; gnomAD 0.00003.

Submissions (2):

CeGaT Center for Human Genetics Tuebingen
Classification: Likely benign. Last evaluated: 2022-09-01. Review status: criteria provided, single submitter. Criteria: CeGaT Center For Human Genetics Tuebingen Variant Classification Criteria Version 2. Collection method: clinical testing. Allele origin: germline. Affected: yes. Observed: 1 variant allele.
Comment: SUN1: BP4, BP7

Labcorp Genetics (formerly Invitae), Labcorp
Classification: Likely benign for Emery-Dreifuss muscular dystrophy. Last evaluated: 2022-07-19. Review status: criteria provided, single submitter. Criteria: Invitae Variant Classification Sherloc (09022015). Collection method: clinical testing. Allele origin: germline.

NM_001130965.3(SUN1):c.948G>A (p.Ser316=)

Gene: SUN1 (Sad1 and UNC84 domain containing 1; plus strand). Cytogenetic location: 7p22.3.
Variant type: single nucleotide variant.
Coding change: c.948G>A on transcript NM_001130965.3 (MANE Select); coding-DNA position 948, G replaced by A.
Protein change: p.Ser316=; no amino-acid change (serine 316 retained).
Molecular consequence: synonymous variant. On other transcripts: non-coding transcript variant (3), intron variant (1).
Genome position (GRCh38, 1-based): chr7:852,847, G>A. VCF-style: chr7-852847-G-A. GRCh37 (hg19) VCF-style: chr7-892484-G-A.
Other names: c.639G>A, p.Ser213= (NM_001171944.2); c.948G>A, p.Ser316= (NM_001367633.1, NM_001367634.1, NM_001367653.1 and 1 more transcripts); c.597G>A, p.Ser199= (NM_001367635.1); c.1188G>A, p.Ser396= (NM_001367636.1, NM_001367691.1); c.1056G>A, p.Ser352= (NM_001367638.1); c.489G>A, p.Ser163= (NM_001367639.1); c.1128G>A, p.Ser376= (NM_001367640.1); c.1230G>A, p.Ser410= (NM_001367641.1, NM_001367682.1); and 38 more.
Identifiers: ClinVar variation 1635488 (VCV001635488.32), dbSNP rs776253918, ClinGen allele CA4112020.
Genomic context (GRCh38, chr7:852,847, plus strand): 5'-GTGTGGTGGCTCTTCTCTTTTAGCAGGTCTCTCCTTACGGGGCCAGGGCAATTTCTTTTC[G>A]TTCTTGCCCGTGTTGAACTGGGCAAGCATGCATAGAACACAGCGGGTGGATGACCCCCAG-3'
Protein context (NP_001124437.1, residues 306-326): LSLRGQGNFF[Ser316=]FLPVLNWASM